The following is an entry in ClinVar:

ClinVar aggregate classification (germline): Uncertain significance. Review status: criteria provided, multiple submitters, no conflicts (2 of 4 stars). 2 submissions from 2 submitters: Uncertain significance (2). Last evaluated 2025-01-10.

Conditions:
Inborn genetic diseases. Identifiers: MedGen C0950123, MeSH D030342.
Myopathy, centronuclear, 2 (CNM2). Also called: MYOTUBULAR MYOPATHY, AUTOSOMAL RECESSIVE. Identifiers: Orphanet 169186, MedGen CN031787, MONDO:0009709, OMIM 255200.

Allele frequency attached by ClinVar (database versions not stated): gnomAD 0.00003 and 0.00004; gnomAD exomes 0.00003 and 0.00002; ExAC 0.00002; TOPMed 0.00002.

Submissions (2):

Ambry Genetics
Classification: Uncertain significance for Inborn genetic diseases. Last evaluated: 2025-01-10. Review status: criteria provided, single submitter. Criteria: Ambry Variant Classification Scheme 2023. Collection method: clinical testing. Allele origin: germline.

Labcorp Genetics (formerly Invitae), Labcorp
Classification: Uncertain significance for Myopathy, centronuclear, 2. Last evaluated: 2023-08-10. Review status: criteria provided, single submitter. Criteria: Invitae Variant Classification Sherloc (09022015). Collection method: clinical testing. Allele origin: germline.
Comment: This variant has not been reported in the literature in individuals affected with BIN1-related conditions. This variant is present in population databases (rs772786604, gnomAD 0.006%). This sequence change replaces aspartic acid, which is acidic and polar, with asparagine, which is neutral and polar, at codon 530 of the BIN1 protein (p.Asp530Asn). ClinVar contains an entry for this variant (Variation ID: 530866). In summary, the available evidence is currently insufficient to determine the role of this variant in disease. Therefore, it has been classified as a Variant of Uncertain Significance. Advanced modeling of protein sequence and biophysical properties (such as structural, functional, and spatial information, amino acid conservation, physicochemical variation, residue mobility, and thermodynamic stability) has been performed at Invitae for this missense variant, however the output from this modeling did not meet the statistical confidence thresholds required to predict the impact of this variant on BIN1 protein function.

NM_139343.3(BIN1):c.1588G>A (p.Asp530Asn)

Gene: BIN1 (bridging integrator 1; minus strand). Cytogenetic location: 2q14.3.
Variant type: single nucleotide variant.
Coding change: c.1588G>A on transcript NM_139343.3 (MANE Select); coding-DNA position 1588, G replaced by A.
Protein change: p.Asp530Asn; replaces aspartic acid 530 with asparagine.
Molecular consequence: missense variant.
Genome position (GRCh38, 1-based): chr2:127,050,507, C>T on the plus strand (G>A on the coding strand, the complement: BIN1 is on the minus strand). VCF-style: chr2-127050507-C-T. GRCh37 (hg19) VCF-style: chr2-127808083-C-T.
Other names: c.1081G>A, p.Asp361Asn (NM_001320632.2); c.1219G>A, p.Asp407Asn (NM_001320633.2); c.964G>A, p.Asp322Asn (NM_001320634.1); c.1348G>A, p.Asp450Asn (NM_001320640.2); c.1495G>A, p.Asp499Asn (NM_001320641.2); c.1507G>A, p.Asp503Asn (NM_001320642.1); c.1171G>A, p.Asp391Asn (NM_004305.4); c.1459G>A, p.Asp487Asn (NM_139344.3); and 7 more; short protein forms D530N, D346N, D391N, D443N, D487N, D499N, D419N, D450N.
Identifiers: ClinVar variation 530866 (VCV000530866.7), dbSNP rs772786604, ClinGen allele CA1856972.